The following is an entry in ClinVar:

NM_004859.4(CLTC):c.557T>G (p.Val186Gly)

Gene: CLTC (clathrin heavy chain; plus strand). Cytogenetic location: 17q23.1.
Variant type: single nucleotide variant.
Coding change: c.557T>G on transcript NM_004859.4 (MANE Select); coding-DNA position 557, T replaced by G.
Protein change: p.Val186Gly; replaces valine 186 with glycine.
Molecular consequence: missense variant.
Genome position (GRCh38, 1-based): chr17:59,648,277, T>G. VCF-style: chr17-59648277-T-G. GRCh37 (hg19) VCF-style: chr17-57725638-T-G.
Other names: c.569T>G, p.Val190Gly (NM_001288653.2); short protein forms V190G, V186G.
Identifiers: ClinVar variation 4745485 (VCV004745485.1).

ClinVar aggregate classification (germline): Uncertain significance (1 of 4 stars; one submission).

Submission:

Labcorp Genetics (formerly Invitae), Labcorp
Classification: Uncertain significance. Last evaluated: 2025-05-14. Review status: criteria provided, single submitter. Criteria: Invitae Variant Classification Sherloc (09022015). Collection method: clinical testing. Allele origin: germline.
Comment: This sequence change replaces valine, which is neutral and non-polar, with glycine, which is neutral and non-polar, at codon 190 of the CLTC protein (p.Val190Gly). This variant is not present in population databases (gnomAD no frequency). This variant has not been reported in the literature in individuals affected with CLTC-related conditions. Invitae Evidence Modeling of protein sequence and biophysical properties (such as structural, functional, and spatial information, amino acid conservation, physicochemical variation, residue mobility, and thermodynamic stability) has been performed for this missense variant. However, the output from this modeling did not meet the statistical confidence thresholds required to predict the impact of this variant on CLTC protein function. In summary, the available evidence is currently insufficient to determine the role of this variant in disease. Therefore, it has been classified as a Variant of Uncertain Significance.